The following is an entry in ClinVar:

ClinVar aggregate classification (germline): Uncertain significance (1 of 4 stars; one submission).

Submission:

GeneDx
Classification: Uncertain significance. Last evaluated: 2017-02-17. Review status: criteria provided, single submitter. Criteria: GeneDx Variant Classification (06012015). Collection method: clinical testing. Allele origin: germline. Affected: yes.
Comment: The c.342 A>G variant has not been published as a pathogenic variant, nor has it been reported as a benign variant to our knowledge. The variant is synonymous and does not change the Glutamic acid at residue 114. However, the variant is not observed in large population cohorts (Lek et al., 2016; 1000 Genomes Consortium et al., 2015; Exome Variant Server). While this variant occurs at a position that is conserved in mammals, in silico analysis predicts this variant likely does not affect splicing. In summary, based on the currently available information, it is unclear whether this variant is a pathogenic variant or a rare benign variant.

NM_001243133.2(NLRP3):c.336A>G (p.Glu112=)

Gene: NLRP3 (NLR family pyrin domain containing 3; plus strand). Cytogenetic location: 1q44.
Variant type: single nucleotide variant.
Coding change: c.336A>G on transcript NM_001243133.2 (MANE Select); coding-DNA position 336, A replaced by G.
Protein change: p.Glu112=; no amino-acid change (glutamic acid 112 retained).
Molecular consequence: synonymous variant.
Genome position (GRCh38, 1-based): chr1:247,423,288, A>G. VCF-style: chr1-247423288-A-G. GRCh37 (hg19) VCF-style: chr1-247586590-A-G.
Other names: c.336A>G, p.Glu112= (NM_001079821.3, NM_001127461.3, NM_001127462.3 and 1 more transcripts); c.342A>G, p.Glu114= (NM_004895.5).
Identifiers: ClinVar variation 423574 (VCV000423574.2), dbSNP rs1064796501, ClinGen allele CA16617128.
Genomic context (GRCh38, chr1:247,423,288, plus strand): 5'-AGGTTCAGATAATGCACGTGTTTCGAATCCCACTGTGATATGCCAGGAAGACAGCATTGA[A>G]GAGGAGTGGATGGGTTTACTGGAGTACCTTTCGAGAATCTCTATTTGTAAAATGAAGAAA-3'
Protein context (NP_001230062.1, residues 102-122): PTVICQEDSI[Glu112=]EEWMGLLEYL